The following is an entry in ClinVar:

NM_004795.4(KL):c.2593G>C (p.Asp865His)

Gene: KL (klotho; plus strand). Cytogenetic location: 13q13.1.
Variant type: single nucleotide variant.
Coding change: c.2593G>C on transcript NM_004795.4 (MANE Select); coding-DNA position 2593, G replaced by C.
Protein change: p.Asp865His; replaces aspartic acid 865 with histidine.
Molecular consequence: missense variant.
Genome position (GRCh38, 1-based): chr13:33,061,672, G>C. VCF-style: chr13-33061672-G-C. GRCh37 (hg19) VCF-style: chr13-33635809-G-C.
Other names: short protein forms D865H.
Identifiers: ClinVar variation 2046250 (VCV002046250.6), dbSNP rs370761540, ClinGen allele CA6944337.

ClinVar aggregate classification (germline): Uncertain significance. Review status: criteria provided, multiple submitters, no conflicts (2 of 4 stars). 2 submissions from 2 submitters: Uncertain significance (2). Last evaluated 2025-08-09.

Allele frequency attached by ClinVar (database versions not stated): TOPMed 0.00002; ESP Exome Variant Server 0.00015; gnomAD exomes 0.00008; ExAC 0.00016; gnomAD 0.00003.

Submissions (2):

Ambry Genetics
Classification: Uncertain significance. Last evaluated: 2025-08-09. Review status: criteria provided, single submitter. Criteria: Ambry Variant Classification Scheme 2023. Collection method: clinical testing. Allele origin: germline.

Labcorp Genetics (formerly Invitae), Labcorp
Classification: Uncertain significance. Last evaluated: 2024-08-07. Review status: criteria provided, single submitter. Criteria: Invitae Variant Classification Sherloc (09022015). Collection method: clinical testing. Allele origin: germline.
Comment: This sequence change replaces aspartic acid, which is acidic and polar, with histidine, which is basic and polar, at codon 865 of the KL protein (p.Asp865His). This variant is present in population databases (rs370761540, gnomAD 0.09%), and has an allele count higher than expected for a pathogenic variant. This variant has not been reported in the literature in individuals affected with KL-related conditions. ClinVar contains an entry for this variant (Variation ID: 2046250). Advanced modeling of protein sequence and biophysical properties (such as structural, functional, and spatial information, amino acid conservation, physicochemical variation, residue mobility, and thermodynamic stability) performed at Invitae indicates that this missense variant is not expected to disrupt KL protein function with a negative predictive value of 80%. In summary, the available evidence is currently insufficient to determine the role of this variant in disease. Therefore, it has been classified as a Variant of Uncertain Significance.